The following is an entry in ClinVar:

NM_000532.5(PCCB):c.183+21_183+46del

Gene: PCCB (propionyl-CoA carboxylase subunit beta; plus strand). Cytogenetic location: 3q22.3.
Variant type: Deletion.
Coding change: c.183+21_183+46del on transcript NM_000532.5 (MANE Select); bases 21 to 46 of the intron after coding-DNA position 183, 26 bases deleted (GTGAGTCCCGCCCCTGGCGTCCGCGA).
Molecular consequence: intron variant.
Genome position (GRCh38, 1-based): chr3:136,250,579-136,250,604, GTGAGTCCCGCCCCTGGCGTCCGCGA deleted; deleting any 26 consecutive bases within chr3:136,250,578-136,250,604 gives the same sequence; the c. name uses the placement nearest the transcript's 3' end. VCF-style (leftmost placement, unchanged base first): chr3-136250577-AAGTGAGTCCCGCCCCTGGCGTCCGCG-A. GRCh37 (hg19) VCF-style: chr3-135969419-AAGTGAGTCCCGCCCCTGGCGTCCGCG-A.
Other names: c.183+21_183+46del (NM_001178014.2).
Identifiers: ClinVar variation 1906958 (VCV001906958.2), dbSNP rs1941486678, ClinGen allele CA1053903901.

ClinVar aggregate classification (germline): Uncertain significance (1 of 4 stars; one submission).

Conditions:
Propionic acidemia (PROP). Also called: HYPERGLYCINEMIA WITH KETOACIDOSIS AND LEUKOPENIA; KETOTIC HYPERGLYCINEMIA; GLYCINEMIA, KETOTIC. Identifiers: Orphanet 35, MedGen C0268579, MONDO:0011628, OMIM 606054, HP:0003571.

Submission:

Labcorp Genetics (formerly Invitae), Labcorp
Classification: Uncertain significance for Propionic acidemia. Last evaluated: 2022-07-22. Review status: criteria provided, single submitter. Criteria: Invitae Variant Classification Sherloc (09022015). Collection method: clinical testing. Allele origin: germline.
Comment: This sequence change falls in intron 1 of the PCCB gene. It does not directly change the encoded amino acid sequence of the PCCB protein. This variant is not present in population databases (gnomAD no frequency). This variant has not been reported in the literature in individuals affected with PCCB-related conditions. Algorithms developed to predict the effect of sequence changes on RNA splicing suggest that this variant may disrupt the consensus splice site. In summary, the available evidence is currently insufficient to determine the role of this variant in disease. Therefore, it has been classified as a Variant of Uncertain Significance.